The following is an entry in ClinVar:

NM_006084.5(IRF9):c.79G>A (p.Gly27Arg)

Gene: IRF9 (interferon regulatory factor 9; plus strand). Cytogenetic location: 14q12.
Variant type: single nucleotide variant.
Coding change: c.79G>A on transcript NM_006084.5 (MANE Select); coding-DNA position 79, G replaced by A.
Protein change: p.Gly27Arg; replaces glycine 27 with arginine.
Molecular consequence: missense variant.
Genome position (GRCh38, 1-based): chr14:24,162,223, G>A. VCF-style: chr14-24162223-G-A. GRCh37 (hg19) VCF-style: chr14-24631432-G-A.
Other names: c.79G>A, p.Gly27Arg (NM_001385400.1, NM_001385401.1, NM_001385402.1); short protein forms G27R.
Identifiers: ClinVar variation 2776647 (VCV002776647.3), dbSNP rs1375821921, ClinGen allele CA389199166.

ClinVar aggregate classification (germline): Uncertain significance (1 of 4 stars; one submission).

Allele frequency attached by ClinVar (database versions not stated): gnomAD 0.00001; gnomAD exomes 0.00001; TOPMed 0.00001.
gnomAD v4.1: 12 of 1,614,026 alleles (0.00074%); highest among the groups gnomAD compares: Non-Finnish European, 0.001%; no homozygotes.

Submission:

Labcorp Genetics (formerly Invitae), Labcorp
Classification: Uncertain significance. Last evaluated: 2025-07-14. Review status: criteria provided, single submitter. Criteria: Invitae Variant Classification Sherloc (09022015). Collection method: clinical testing. Allele origin: germline.
Comment: This sequence change replaces glycine, which is neutral and non-polar, with arginine, which is basic and polar, at codon 27 of the IRF9 protein (p.Gly27Arg). This variant is not present in population databases (gnomAD no frequency). This variant has not been reported in the literature in individuals affected with IRF9-related conditions. ClinVar contains an entry for this variant (Variation ID: 2776647). An algorithm developed to predict the effect of missense changes on protein structure and function (PolyPhen-2) suggests that this variant is likely to be disruptive. In summary, the available evidence is currently insufficient to determine the role of this variant in disease. Therefore, it has been classified as a Variant of Uncertain Significance.